The following is an entry in ClinVar:

NM_004525.3(LRP2):c.10647G>A (p.Pro3549=)

Gene: LRP2 (LDL receptor related protein 2; minus strand). Cytogenetic location: 2q31.1.
Variant type: single nucleotide variant.
Coding change: c.10647G>A on transcript NM_004525.3 (MANE Select); coding-DNA position 10647, G replaced by A.
Protein change: p.Pro3549=; no amino-acid change (proline 3549 retained).
Molecular consequence: synonymous variant.
Genome position (GRCh38, 1-based): chr2:169,175,314, C>T on the plus strand (G>A on the coding strand, the complement: LRP2 is on the minus strand). VCF-style: chr2-169175314-C-T. GRCh37 (hg19) VCF-style: chr2-170031824-C-T.
Identifiers: ClinVar variation 332102 (VCV000332102.18), dbSNP rs17848184, ClinGen allele CA1953285.

ClinVar aggregate classification (germline): Benign. Review status: criteria provided, multiple submitters, no conflicts (2 of 4 stars). 5 submissions from 5 submitters: Benign (4). 1 of the submissions does not count toward it. Last evaluated 2026-02-04.

Conditions:
LRP2-related disorder. Also called: LRP2-related condition.
Donnai-Barrow syndrome. Also called: DBS/FOAR SYNDROME; FACIOOCULOACOUSTICORENAL SYNDROME. Identifiers: Orphanet 2143, MedGen C1857277, MONDO:0009104, OMIM 222448.

Allele frequency attached by ClinVar (database versions not stated): ESP Exome Variant Server 0.00031; gnomAD 0.00218 and 0.00304; TOPMed 0.00382; gnomAD exomes 0.00626; ExAC 0.00645; 1000 Genomes Project 30x 0.01202; 1000 Genomes Project 0.01418.
gnomAD v4.1: 4,098 of 1,614,154 alleles (0.25%); highest among the groups gnomAD compares: East Asian, 7.6%; 154 homozygotes.

Submissions (5):

Labcorp Genetics (formerly Invitae), Labcorp
Classification: Benign. Last evaluated: 2026-02-04. Review status: criteria provided, single submitter. Criteria: Invitae Variant Classification Sherloc (09022015). Collection method: clinical testing. Allele origin: germline.

GeneDx
Classification: Benign. Last evaluated: 2022-02-13. Review status: criteria provided, single submitter. Criteria: GeneDx Variant Classification Process June 2021. Collection method: clinical testing. Allele origin: germline. Affected: yes.
Comment: See Variant Classification Assertion Criteria.

Genome-Nilou Lab
Classification: Benign for Donnai-Barrow syndrome. Last evaluated: 2021-07-15. Review status: criteria provided, single submitter. Criteria: ACMG Guidelines, 2015. Collection method: clinical testing. Allele origin: germline. Affected: no.

Illumina Laboratory Services, Illumina
Classification: Benign for Donnai-Barrow syndrome. Last evaluated: 2018-01-13. Review status: criteria provided, single submitter. Criteria: ICSL Variant Classification Criteria 13 December 2019. Collection method: clinical testing. Allele origin: germline.
Comment: This variant was observed in the ICSL laboratory as part of a predisposition screen in an ostensibly healthy population. It had not been previously curated by ICSL or reported in the Human Gene Mutation Database (HGMD: prior to June 1st, 2018), and was therefore a candidate for classification through an automated scoring system. Utilizing variant allele frequency, disease prevalence and penetrance estimates, and inheritance mode, an automated score was calculated to assess if this variant is too frequent to cause the disease. Based on the score and internal cut-off values, a variant classified as benign is not then subjected to further curation. The score for this variant resulted in a classification of benign for this disease.

PreventionGenetics, part of Exact Sciences
Classification: Benign for LRP2-related condition. Last evaluated: 2024-07-25. Review status: no assertion criteria provided. Collection method: clinical testing. Allele origin: germline. Not counted in ClinVar's aggregate classification.
Comment: This variant is classified as benign based on ACMG/AMP sequence variant interpretation guidelines (Richards et al. 2015 PMID: 25741868, with internal and published modifications).